The following is an entry in ClinVar:

NM_020461.4(TUBGCP6):c.920G>T (p.Arg307Ile)

Gene: TUBGCP6 (tubulin gamma complex component 6; minus strand). Cytogenetic location: 22q13.33.
Variant type: single nucleotide variant.
Coding change: c.920G>T on transcript NM_020461.4 (MANE Select); coding-DNA position 920, G replaced by T.
Protein change: p.Arg307Ile; replaces arginine 307 with isoleucine.
Molecular consequence: missense variant.
Genome position (GRCh38, 1-based): chr22:50,233,512, C>A on the plus strand (G>T on the coding strand, the complement: TUBGCP6 is on the minus strand). VCF-style: chr22-50233512-C-A. GRCh37 (hg19) VCF-style: chr22-50671941-C-A.
Other names: short protein forms R307I.
Identifiers: ClinVar variation 1970149 (VCV001970149.4), dbSNP rs2064720862, ClinGen allele CA412110380.

ClinVar aggregate classification (germline): Uncertain significance (1 of 4 stars; one submission).

Allele frequency attached by ClinVar (database versions not stated): TOPMed below 0.00001.

Submission:

Labcorp Genetics (formerly Invitae), Labcorp
Classification: Uncertain significance. Last evaluated: 2024-10-29. Review status: criteria provided, single submitter. Criteria: Invitae Variant Classification Sherloc (09022015). Collection method: clinical testing. Allele origin: germline.
Comment: This sequence change replaces arginine, which is basic and polar, with isoleucine, which is neutral and non-polar, at codon 307 of the TUBGCP6 protein (p.Arg307Ile). This variant is not present in population databases (gnomAD no frequency). This variant has not been reported in the literature in individuals affected with TUBGCP6-related conditions. ClinVar contains an entry for this variant (Variation ID: 1970149). An algorithm developed to predict the effect of missense changes on protein structure and function (PolyPhen-2) suggests that this variant is likely to be disruptive. In summary, the available evidence is currently insufficient to determine the role of this variant in disease. Therefore, it has been classified as a Variant of Uncertain Significance.